The following is an entry in ClinVar:

ClinVar aggregate classification (germline): Uncertain significance (1 of 4 stars; one submission).

Conditions:
Deficiency of phosphoserine phosphatase (PSPHD). Also called: Phosphoserine phosphatase deficiency; PSPH deficiency. Identifiers: Orphanet 79350, MedGen C1291463, MONDO:0013531, OMIM 614023.

Submission:

Labcorp Genetics (formerly Invitae), Labcorp
Classification: Uncertain significance for Deficiency of phosphoserine phosphatase. Last evaluated: 2022-05-15. Review status: criteria provided, single submitter. Criteria: Invitae Variant Classification Sherloc (09022015). Collection method: clinical testing. Allele origin: germline.
Comment: This variant has not been reported in the literature in individuals affected with PSPH-related conditions. This sequence change replaces serine, which is neutral and polar, with phenylalanine, which is neutral and non-polar, at codon 155 of the PSPH protein (p.Ser155Phe). This variant is not present in population databases (gnomAD no frequency). Algorithms developed to predict the effect of missense changes on protein structure and function (SIFT, PolyPhen-2, Align-GVGD) all suggest that this variant is likely to be disruptive. In summary, the available evidence is currently insufficient to determine the role of this variant in disease. Therefore, it has been classified as a Variant of Uncertain Significance.

NM_004577.4(PSPH):c.464C>T (p.Ser155Phe)

Gene: PSPH (phosphoserine phosphatase; minus strand). Cytogenetic location: 7p11.2.
Variant type: single nucleotide variant.
Coding change: c.464C>T on transcript NM_004577.4 (MANE Select); coding-DNA position 464, C replaced by T.
Protein change: p.Ser155Phe; replaces serine 155 with phenylalanine.
Molecular consequence: missense variant.
Genome position (GRCh38, 1-based): chr7:56,015,129, G>A on the plus strand (C>T on the coding strand, the complement: PSPH is on the minus strand). VCF-style: chr7-56015129-G-A. GRCh37 (hg19) VCF-style: chr7-56082822-G-A.
Other names: c.464C>T, p.Ser155Phe (NM_001370503.1, NM_001370504.1, NM_001370505.1 and 17 more transcripts); short protein forms S155F.
Identifiers: ClinVar variation 1994879 (VCV001994879.4), dbSNP rs2534834720, ClinGen allele CA367595788.
Genomic context (GRCh38, chr7:56,015,129, plus strand): 5'-ATTATTTTCTTAAAATGAAATTTTTCCTTTAAAAGTTTAATCACTTTTCCTTTTCCACCA[G>A]ATTCAGCTGTTGGCTGCGTCTCATCAAAACCTGCATATTCACCTTAAAAGAGAAATAAAA-3'
Protein context (NP_004568.2, residues 145-165): GFDETQPTAE[Ser155Phe]GGKGKVIKLL